The following is an entry in ClinVar:

ClinVar aggregate classification (germline): Pathogenic (1 of 4 stars; one submission).

Conditions:
Microcephaly 9, primary, autosomal recessive. Identifiers: Orphanet 2512, MedGen C3553886, MONDO:0013923, OMIM 614852.

Submission:

MGZ Medical Genetics Center
Classification: Pathogenic for Microcephaly 9, primary, autosomal recessive. Last evaluated: 2022-05-06. Review status: criteria provided, single submitter. Criteria: ACMG Guidelines, 2015. Collection method: clinical testing. Allele origin: germline. Affected: yes. Observed: 1 variant allele.
Comment: ACMG criteria applied: PVS1, PM3, PM2_SUP

NM_001194998.2(CEP152):c.3948_3949insGGCGCAAATATTATTTG (p.Ile1317delinsGlyAlaAsnIleIleTer)

Gene: CEP152 (centrosomal protein 152; minus strand). Cytogenetic location: 15q21.1.
Variant type: Insertion.
Coding change: c.3948_3949insGGCGCAAATATTATTTG on transcript NM_001194998.2 (MANE Select); coding-DNA positions 3948 to 3949, GGCGCAAATATTATTTG inserted.
Protein change: p.Ile1317delinsGlyAlaAsnIleIleTer.
Molecular consequence: nonsense.
Genome position: GRCh38 VCF-style: chr15-48741987-T-TCAAATAATATTTGCGCC. GRCh37 (hg19) VCF-style: chr15-49034184-T-TCAAATAATATTTGCGCC.
Other names: c.3780_3781insGGCGCAAATATTATTTG, p.Ile1261delinsGlyAlaAsnIleIleTer (NM_014985.4).
Identifiers: ClinVar variation 1709492 (VCV001709492.1), dbSNP rs2504488763, ClinGen allele CA2580089689.
Genomic context (GRCh38, chr15:48,741,987, plus strand): 5'-ATTGTTCAGACTGAACTCACCCTTCTTTTCCATCATCCTGCAAAATCTGTTGGAGGCAAA[T>TCAAATAATATTTGCGCC]CAAATAATATTTGCGCATCTTTCGGGCGGTTTCTTGACGTTCTCGCAGTACCTCTGCTTT-3'